The following is an entry in ClinVar:

ClinVar aggregate classification (germline): Uncertain significance (1 of 4 stars; one submission).

Submission:

Labcorp Genetics (formerly Invitae), Labcorp
Classification: Uncertain significance. Last evaluated: 2022-05-05. Review status: criteria provided, single submitter. Criteria: Invitae Variant Classification Sherloc (09022015). Collection method: clinical testing. Allele origin: germline.
Comment: In summary, the available evidence is currently insufficient to determine the role of this variant in disease. Therefore, it has been classified as a Variant of Uncertain Significance. Algorithms developed to predict the effect of missense changes on protein structure and function are either unavailable or do not agree on the potential impact of this missense change (SIFT: "Deleterious"; PolyPhen-2: "Benign"; Align-GVGD: "Class C0"). This variant has not been reported in the literature in individuals affected with SZT2-related conditions. This variant is not present in population databases (gnomAD no frequency). This sequence change replaces aspartic acid, which is acidic and polar, with asparagine, which is neutral and polar, at codon 110 of the SZT2 protein (p.Asp110Asn).

NM_001365999.1(SZT2):c.328G>A (p.Asp110Asn)

Gene: SZT2 (SZT2 subunit of KICSTOR complex; plus strand). Cytogenetic location: 1p34.2.
Variant type: single nucleotide variant.
Coding change: c.328G>A on transcript NM_001365999.1 (MANE Select); coding-DNA position 328, G replaced by A.
Protein change: p.Asp110Asn; replaces aspartic acid 110 with asparagine.
Molecular consequence: missense variant.
Genome position (GRCh38, 1-based): chr1:43,404,380, G>A. VCF-style: chr1-43404380-G-A. GRCh37 (hg19) VCF-style: chr1-43870051-G-A.
Other names: c.328G>A, p.Asp110Asn (NM_015284.4); short protein forms D110N.
Identifiers: ClinVar variation 2134467 (VCV002134467.4), dbSNP rs2545768547, ClinGen allele CA339996713.